The following is an entry in ClinVar:

ClinVar aggregate classification (germline): Uncertain significance (1 of 4 stars; one submission).

Conditions:
Cystic fibrosis (CF). Also called: MUCOVISCIDOSIS. Identifiers: Orphanet 586, MedGen C0010674, MONDO:0009061, OMIM 219700. Disease mechanism: loss of function.

Submission:

Ambry Genetics
Classification: Uncertain significance for Cystic fibrosis. Last evaluated: 2023-06-09. Review status: criteria provided, single submitter. Criteria: Ambry Variant Classification Scheme 2023. Collection method: clinical testing. Allele origin: germline.
Comment: The p.V1024M variant (also known as c.3070G>A), located in coding exon 19 of the CFTR gene, results from a G to A substitution at nucleotide position 3070. The valine at codon 1024 is replaced by methionine, an amino acid with highly similar properties. This amino acid position is conserved. In addition, the in silico prediction for this alteration is inconclusive. Since supporting evidence is limited at this time, the clinical significance of this alteration remains unclear.

NM_000492.4(CFTR):c.3070G>A (p.Val1024Met)

Genes: CFTR (CF transmembrane conductance regulator; plus strand), CFTR-AS2 (CFTR antisense RNA 2; minus strand), LOC111674472 (DNase I hypersensitive sites in introns 16 and 17a of CFTR; plus strand). Cytogenetic location: 7q31.2.
Variant type: single nucleotide variant.
Coding change: c.3070G>A on transcript NM_000492.4 (MANE Select); coding-DNA position 3070, G replaced by A.
Protein change: p.Val1024Met; replaces valine 1024 with methionine.
Molecular consequence: missense variant.
Genome position (GRCh38, 1-based): chr7:117,610,600, G>A. VCF-style: chr7-117610600-G-A. GRCh37 (hg19) VCF-style: chr7-117250654-G-A.
Other names: short protein forms V1024M.
Identifiers: ClinVar variation 2567903 (VCV002567903.2), dbSNP rs2485129054, ClinGen allele CA368990714.